The following is an entry in ClinVar:

ClinVar aggregate classification (germline): Uncertain significance. Review status: criteria provided, multiple submitters, no conflicts (2 of 4 stars). 3 submissions from 3 submitters: Uncertain significance (3). Last evaluated 2025-03-23.

Conditions:
Thrombophilia due to protein S deficiency, autosomal recessive (THPH6). Identifiers: Orphanet 743, MedGen C3281092, MONDO:0013791, OMIM 614514. Disease mechanism: loss of function.
Inborn genetic diseases. Identifiers: MedGen C0950123, MeSH D030342.

Allele frequency attached by ClinVar (database versions not stated): gnomAD exomes below 0.00001.
gnomAD v4.1: 3 of 1,613,728 alleles (0.00019%); highest among the groups gnomAD compares: Non-Finnish European, 0.00025%; no homozygotes.

Submissions (3):

Labcorp Genetics (formerly Invitae), Labcorp
Classification: Uncertain significance for Thrombophilia due to protein S deficiency, autosomal recessive. Last evaluated: 2025-03-23. Review status: criteria provided, single submitter. Criteria: Invitae Variant Classification Sherloc (09022015). Collection method: clinical testing. Allele origin: germline.
Comment: This sequence change replaces histidine, which is basic and polar, with tyrosine, which is neutral and polar, at codon 474 of the PROS1 protein (p.His474Tyr). This variant is present in population databases (no rsID available, gnomAD 0.0009%). This variant has not been reported in the literature in individuals affected with PROS1-related conditions. ClinVar contains an entry for this variant (Variation ID: 2682838). Invitae Evidence Modeling of protein sequence and biophysical properties (such as structural, functional, and spatial information, amino acid conservation, physicochemical variation, residue mobility, and thermodynamic stability) has been performed for this missense variant. However, the output from this modeling did not meet the statistical confidence thresholds required to predict the impact of this variant on PROS1 protein function. In summary, the available evidence is currently insufficient to determine the role of this variant in disease. Therefore, it has been classified as a Variant of Uncertain Significance.

Ambry Genetics
Classification: Uncertain significance for Inborn genetic diseases. Last evaluated: 2025-01-03. Review status: criteria provided, single submitter. Criteria: Ambry Variant Classification Scheme 2023. Collection method: clinical testing. Allele origin: germline.

Mayo Clinic Laboratories, Mayo Clinic
Classification: Uncertain significance. Last evaluated: 2022-07-12. Review status: criteria provided, single submitter. Criteria: ACMG Guidelines, 2015. Collection method: clinical testing. Allele origin: germline. Observed: 1 variant allele.
Comment: PM1, PM2

NM_000313.4(PROS1):c.1420C>T (p.His474Tyr)

Gene: PROS1 (protein S; minus strand). Cytogenetic location: 3q11.1.
Variant type: single nucleotide variant.
Coding change: c.1420C>T on transcript NM_000313.4 (MANE Select); coding-DNA position 1420, C replaced by T.
Protein change: p.His474Tyr; replaces histidine 474 with tyrosine.
Molecular consequence: missense variant.
Genome position (GRCh38, 1-based): chr3:93,884,800, G>A on the plus strand (C>T on the coding strand, the complement: PROS1 is on the minus strand). VCF-style: chr3-93884800-G-A. GRCh37 (hg19) VCF-style: chr3-93603644-G-A.
Other names: p.His474Tyr; c.1516C>T, p.His506Tyr (NM_001314077.2); short protein forms H474Y, H506Y.
Identifiers: ClinVar variation 2682838 (VCV002682838.3), dbSNP rs1468370376, ClinGen allele CA353667906.